The following is an entry in ClinVar:

ClinVar aggregate classification (germline): Uncertain significance (1 of 4 stars; one submission).

Conditions:
NCOA1-related disorder. Also called: NCOA1-related condition.

gnomAD v4.1: 10 of 1,613,260 alleles (0.00062%); highest among the groups gnomAD compares: East Asian, 0.0045%; no homozygotes.

Submission:

PreventionGenetics, part of Exact Sciences
Classification: Uncertain significance for NCOA1-related condition. Last evaluated: 2026-03-05. Review status: criteria provided, single submitter. Criteria: ACMG Guidelines, 2015. Collection method: clinical testing. Allele origin: germline.
Comment: The NCOA1 c.4186G>A variant is predicted to result in the amino acid substitution p.Val1396Ile. To our knowledge, this variant has not been reported in the literature. This variant is reported in 0.0054% of alleles in individuals of East Asian descent in gnomAD. At this time, the clinical significance of this variant is uncertain due to the absence of conclusive functional and genetic evidence.

NM_003743.5(NCOA1):c.4186G>A (p.Val1396Ile)

Gene: NCOA1 (nuclear receptor coactivator 1; plus strand). Cytogenetic location: 2p23.3.
Variant type: single nucleotide variant.
Coding change: c.4186G>A on transcript NM_003743.5 (MANE Select); coding-DNA position 4186, G replaced by A.
Protein change: p.Val1396Ile; replaces valine 1396 with isoleucine.
Molecular consequence: missense variant. On other transcripts: 3 prime UTR variant (5).
Genome position (GRCh38, 1-based): chr2:24,768,251, G>A. VCF-style: chr2-24768251-G-A. GRCh37 (hg19) VCF-style: chr2-24991120-G-A.
Other names: c.*43G>A (NM_001362950.1, NM_001362952.1, NM_001362955.1 and 1 more transcripts); c.*40G>A (NM_001362954.1); c.4183G>A, p.Val1395Ile (NM_147233.2); short protein forms V1395I, V1396I.
Identifiers: ClinVar variation 4995665 (VCV004995665.1).